The following is an entry in ClinVar:

NM_000051.4(ATM):c.2506G>A (p.Glu836Lys)

Gene: ATM (ATM serine/threonine kinase; plus strand). Cytogenetic location: 11q22.3.
Variant type: single nucleotide variant.
Coding change: c.2506G>A on transcript NM_000051.4 (MANE Select); coding-DNA position 2506, G replaced by A.
Protein change: p.Glu836Lys; replaces glutamic acid 836 with lysine.
Molecular consequence: missense variant.
Genome position (GRCh38, 1-based): chr11:108,267,210, G>A. VCF-style: chr11-108267210-G-A. GRCh37 (hg19) VCF-style: chr11-108137937-G-A.
Other names: p.E836K:GAA>AAA; c.2506G>A, p.Glu836Lys (NM_001351834.2); short protein forms E836K.
Identifiers: ClinVar variation 181932 (VCV000181932.18), dbSNP rs141054982, ClinGen allele CA298176.

ClinVar aggregate classification (germline): Uncertain significance. Review status: criteria provided, multiple submitters, no conflicts (2 of 4 stars). 5 submissions from 5 submitters: Uncertain significance (4). 1 of the submissions does not count toward it. Last evaluated 2025-11-05.

Conditions:
Hereditary cancer-predisposing syndrome. Also called: Tumor predisposition; Hereditary Cancer Syndrome; Hereditary neoplastic syndrome; Neoplastic Syndromes, Hereditary. Identifiers: Orphanet 140162, MedGen C0027672, MeSH D009386, MONDO:0015356.
Ataxia-telangiectasia syndrome (AT). Also called: LOUIS-BAR SYNDROME; Cerebello-oculocutaneous telangiectasia; Immunodeficiency with ataxia telangiectasia; ATAXIA-TELANGIECTASIA, COMPLEMENTATION GROUP A; ATAXIA-TELANGIECTASIA, FRESNO VARIANT; Ataxia-telangiectasia. Identifiers: Orphanet 100, MedGen C0004135, MONDO:0008840, OMIM 208900.

Allele frequency attached by ClinVar (database versions not stated): gnomAD 0.00001; TOPMed 0.00002; ESP Exome Variant Server 0.00008.
gnomAD v4.1: 1 of 1,614,026 alleles (0.000062%); highest among the groups gnomAD compares: African/African-American, 0.0013%; no homozygotes.

Submissions (5):

Labcorp Genetics (formerly Invitae), Labcorp
Classification: Uncertain significance for Ataxia-telangiectasia syndrome. Last evaluated: 2025-11-05. Review status: criteria provided, single submitter. Criteria: Invitae Variant Classification Sherloc (09022015). Collection method: clinical testing. Allele origin: germline.
Comment: This sequence change replaces glutamic acid, which is acidic and polar, with lysine, which is basic and polar, at codon 836 of the ATM protein (p.Glu836Lys). This variant is not present in population databases (gnomAD no frequency). This variant has not been reported in the literature in individuals affected with ATM-related conditions. ClinVar contains an entry for this variant (Variation ID: 181932). Invitae Evidence Modeling of protein sequence and biophysical properties (such as structural, functional, and spatial information, amino acid conservation, physicochemical variation, residue mobility, and thermodynamic stability) indicates that this missense variant is not expected to disrupt ATM protein function with a negative predictive value of 95%. In summary, the available evidence is currently insufficient to determine the role of this variant in disease. Therefore, it has been classified as a Variant of Uncertain Significance.

Color Diagnostics, LLC DBA Color Health
Classification: Uncertain significance for Hereditary cancer-predisposing syndrome. Last evaluated: 2023-11-06. Review status: criteria provided, single submitter. Criteria: ACMG Guidelines, 2015. Collection method: clinical testing. Allele origin: germline.
Comment: This missense variant replaces glutamic acid with lysine at codon 836 of the ATM protein. Computational prediction suggests that this variant may not impact protein structure and function (internally defined REVEL score threshold <= 0.5, PMID: 27666373). To our knowledge, functional studies have not been reported for this variant. This variant has not been reported in individuals affected with ATM-related disorders in the literature. This variant has not been identified in the general population by the Genome Aggregation Database (gnomAD). The available evidence is insufficient to determine the role of this variant in disease conclusively. Therefore, this variant is classified as a Variant of Uncertain Significance.

Ambry Genetics
Classification: Uncertain significance for Hereditary cancer-predisposing syndrome. Last evaluated: 2023-06-07. Review status: criteria provided, single submitter. Criteria: Ambry Variant Classification Scheme 2023. Collection method: clinical testing. Allele origin: germline.
Comment: The p.E836K variant (also known as c.2506G>A), located in coding exon 16 of the ATM gene, results from a G to A substitution at nucleotide position 2506. The glutamic acid at codon 836 is replaced by lysine, an amino acid with similar properties. This amino acid position is not well conserved in available vertebrate species. In addition, this alteration is predicted to be tolerated by in silico analysis. Since supporting evidence is limited at this time, the clinical significance of this alteration remains unclear.

GeneDx
Classification: Uncertain significance. Last evaluated: 2015-01-26. Review status: criteria provided, single submitter. Criteria: GeneDx Variant Classification (06012015). Collection method: clinical testing. Allele origin: germline. Affected: yes.
Comment: This variant is denoted ATM c.2506G>A at the cDNA level, p.Glu836Lys (E836K) at the protein level, and results in the change of a Glutamic Acid to a Lysine (GAA>AAA). This variant has not, to our knowledge, been published in the literature as pathogenic or benign. ATM Glu836Lys was not observed at a significant allele frequency in the NHLBI Exome Sequencing Project. Since Glutamic Acid and Lysine differ in polarity, charge, size or other properties, this is considered a non-conservative amino acid substitution. ATM Glu836Lys occurs at a position that is variable across species and is not located in a known functional domain. In silico analyses predict that this variant is unlikely to alter protein structure or function. Based on currently available information, it is unclear whether ATM Glu836Lys is pathogenic or benign. We consider it to be a variant of uncertain significance.

Natera, Inc.
Classification: Uncertain significance for Ataxia-telangiectasia. Last evaluated: 2021-02-22. Review status: no assertion criteria provided. Collection method: clinical testing. Allele origin: germline. Not counted in ClinVar's aggregate classification.